The following is an entry in ClinVar:

ClinVar aggregate classification (germline): Pathogenic (1 of 4 stars; one submission).

Conditions:
Fanconi anemia (FA). Also called: Fanconi's anemia. Identifiers: Orphanet 84, MedGen C0015625, MeSH D005199, MONDO:0019391.

Submission:

Labcorp Genetics (formerly Invitae), Labcorp
Classification: Pathogenic for Fanconi anemia. Last evaluated: 2019-09-25. Review status: criteria provided, single submitter. Criteria: Invitae Variant Classification Sherloc (09022015). Collection method: clinical testing. Allele origin: germline.
Comment: This variant is an out-of-frame deletion of the genomic region encompassing exon 12 of the FANCC gene. This is expected to create a premature translational stop signal and result in an absent or disrupted protein product. This variant has not been reported in the literature in individuals with FANCC-related conditions. Loss-of-function variants in FANCC are known to be pathogenic (PMID: 17924555). For these reasons, this variant has been classified as Pathogenic.

Literature cited by the submitters: PubMed 17924555.

NC_000009.12:g.(?_95114619)_(95114720_?)del

Gene: FANCC (FA complementation group C; minus strand). Cytogenetic location: 9q22.32.
Variant type: Deletion.
Identifiers: ClinVar variation 830972 (VCV000830972.4).